The following is an entry in ClinVar:

ClinVar aggregate classification (germline): Uncertain significance. Review status: criteria provided, multiple submitters, no conflicts (2 of 4 stars). 3 submissions from 3 submitters: Uncertain significance (3). Last evaluated 2025-04-17.

Conditions:
Duchenne muscular dystrophy (DMD). Also called: Duchenne Muscular Dystrophy (DMD); MUSCULAR DYSTROPHY, PSEUDOHYPERTROPHIC PROGRESSIVE, DUCHENNE TYPE. Identifiers: Orphanet 98896, MedGen C0013264, MONDO:0010679, OMIM 310200.
Becker muscular dystrophy (BMD). Also called: MUSCULAR DYSTROPHY, PSEUDOHYPERTROPHIC PROGRESSIVE, BECKER TYPE; Becker Muscular Dystrophy (BMD). Identifiers: Orphanet 98895, MedGen C0917713, MONDO:0010311, OMIM 300376.
Dilated cardiomyopathy 3B (CMD3B). Also called: CMD3B: DMD-Related Dilated Cardiomyopathy; CARDIOMYOPATHY, DILATED, X-LINKED; DMD-Associated Dilated Cardiomyopathy. Identifiers: Orphanet 154, MedGen C3668940, MONDO:0010542, OMIM 302045.
Cardiovascular phenotype. Identifiers: MedGen CN230736.

Submissions (3):

Labcorp Genetics (formerly Invitae), Labcorp
Classification: Uncertain significance for Duchenne muscular dystrophy. Last evaluated: 2025-04-17. Review status: criteria provided, single submitter. Criteria: Invitae Variant Classification Sherloc (09022015). Collection method: clinical testing. Allele origin: germline.
Comment: This sequence change replaces aspartic acid, which is acidic and polar, with valine, which is neutral and non-polar, at codon 2973 of the DMD protein (p.Asp2973Val). This variant is not present in population databases (gnomAD no frequency). This variant has not been reported in the literature in individuals affected with DMD-related conditions. ClinVar contains an entry for this variant (Variation ID: 3342569). Invitae Evidence Modeling of protein sequence and biophysical properties (such as structural, functional, and spatial information, amino acid conservation, physicochemical variation, residue mobility, and thermodynamic stability) indicates that this missense variant is not expected to disrupt DMD protein function with a negative predictive value of 95%. In summary, the available evidence is currently insufficient to determine the role of this variant in disease. Therefore, it has been classified as a Variant of Uncertain Significance.

Ambry Genetics
Classification: Uncertain significance for Cardiovascular phenotype. Last evaluated: 2024-12-06. Review status: criteria provided, single submitter. Criteria: Ambry Variant Classification Scheme 2023. Collection method: clinical testing. Allele origin: germline.
Comment: The p.D2973V variant (also known as c.8918A>T), located in coding exon 59 of the DMD gene, results from an A to T substitution at nucleotide position 8918. The aspartic acid at codon 2973 is replaced by valine, an amino acid with highly dissimilar properties. This amino acid position is well conserved in available vertebrate species. In addition, the in silico prediction for this alteration is inconclusive. Based on the available evidence, the clinical significance of this variant remains unclear.

GeneDx
Classification: Uncertain significance. Last evaluated: 2023-11-10. Review status: criteria provided, single submitter. Criteria: GeneDx Variant Classification Process June 2021. Collection method: clinical testing. Allele origin: germline. Affected: yes.
Comment: Not observed at significant frequency in large population cohorts (gnomAD); In silico analysis supports that this missense variant has a deleterious effect on protein structure/function; Missense variant in a gene in which most reported pathogenic variants are truncating/loss of function; Has not been previously published as pathogenic or benign to our knowledge

NM_004006.3(DMD):c.8918A>T (p.Asp2973Val)

Gene: DMD (dystrophin; minus strand). Cytogenetic location: Xp21.2.
Variant type: single nucleotide variant.
Coding change: c.8918A>T on transcript NM_004006.3 (MANE Select); coding-DNA position 8918, A replaced by T.
Protein change: p.Asp2973Val; replaces aspartic acid 2973 with valine.
Molecular consequence: missense variant.
Genome position (GRCh38, 1-based): chrX:31,478,125, T>A on the plus strand (A>T on the coding strand, the complement: DMD is on the minus strand). VCF-style: chrX-31478125-T-A. GRCh37 (hg19) VCF-style: chrX-31496242-T-A.
Other names: c.8894A>T, p.Asp2965Val (NM_000109.4); c.8906A>T, p.Asp2969Val (NM_004009.3); c.8549A>T, p.Asp2850Val (NM_004010.3); c.4895A>T, p.Asp1632Val (NM_004011.4); c.4886A>T, p.Asp1629Val (NM_004012.4); c.1538A>T, p.Asp513Val (NM_004013.3, NM_004020.4, NM_004021.3 and 2 more transcripts); c.731A>T, p.Asp244Val (NM_004014.3); short protein forms D1629V, D1632V, D244V, D2850V, D2965V, D2969V, D2973V, D513V.
Identifiers: ClinVar variation 3342569 (VCV003342569.4).